The following is an entry in ClinVar:

ClinVar aggregate classification (germline): Likely benign (1 of 4 stars; one submission).

gnomAD v4.1: 1,071 of 1,566,842 alleles (0.068%); highest among the groups gnomAD compares: African/African-American, 1.3%; 9 homozygotes.

Submission:

CeGaT Center for Human Genetics Tuebingen
Classification: Likely benign. Last evaluated: 2026-08-01. Review status: criteria provided, single submitter. Criteria: CeGaT Center For Human Genetics Tuebingen Variant Classification Criteria Version 2. Collection method: clinical testing. Allele origin: germline. Affected: yes. Observed: 1 variant allele.
Comment: TYMSOS: BS1

NM_001071.4(TYMS):c.205+101C>G

Genes: TYMSOS (TYMS opposite strand RNA; minus strand), TYMS (thymidylate synthetase; plus strand). Cytogenetic location: 18p11.32.
Variant type: single nucleotide variant.
Coding change: c.205+101C>G on transcript NM_001071.4 (MANE Select); 101 bases into the intron after coding-DNA position 205, C replaced by G.
Molecular consequence: intron variant. On other transcripts: non-coding transcript variant (1).
Genome position (GRCh38, 1-based): chr18:658,048, C>G. VCF-style: chr18-658048-C-G. GRCh37 (hg19) VCF-style: chr18-658048-C-G.
Other names: c.205+101C>G (NM_001354867.2, NM_001354868.2).
Identifiers: ClinVar variation 5038984 (VCV005038984.1).